The following is an entry in ClinVar:

ClinVar aggregate classification (germline): Uncertain significance. Review status: criteria provided, single submitter (1 of 4 stars). 2 submissions from 2 submitters: Uncertain significance (1). 1 of the submissions does not count toward it. Last evaluated 2021-07-06.

Conditions:
ZNF644-related disorder. Also called: ZNF644-related condition.

Allele frequency attached by ClinVar (database versions not stated): ExAC 0.00015; TOPMed 0.00048; gnomAD 0.00049; ESP Exome Variant Server 0.00062; 1000 Genomes Project 0.00080; 1000 Genomes Project 30x 0.00109.
gnomAD v4.1: 172 of 1,613,478 alleles (0.011%); highest among the groups gnomAD compares: African/African-American, 0.17%; no homozygotes.

Submissions (2):

Ambry Genetics
Classification: Uncertain significance. Last evaluated: 2021-07-06. Review status: criteria provided, single submitter. Criteria: Ambry Variant Classification Scheme 2023. Collection method: clinical testing. Allele origin: germline.

PreventionGenetics, part of Exact Sciences
Classification: Likely benign for ZNF644-related condition. Last evaluated: 2023-05-04. Review status: no assertion criteria provided. Collection method: clinical testing. Allele origin: germline. Not counted in ClinVar's aggregate classification.
Comment: This variant is classified as likely benign based on ACMG/AMP sequence variant interpretation guidelines (Richards et al. 2015 PMID: 25741868, with internal and published modifications).

NM_201269.3(ZNF644):c.905G>A (p.Arg302His)

Gene: ZNF644 (zinc finger protein 644; minus strand). Cytogenetic location: 1p22.2.
Variant type: single nucleotide variant.
Coding change: c.905G>A on transcript NM_201269.3 (MANE Select); coding-DNA position 905, G replaced by A.
Protein change: p.Arg302His; replaces arginine 302 with histidine.
Molecular consequence: missense variant. On other transcripts: intron variant (2).
Genome position (GRCh38, 1-based): chr1:90,940,449, C>T on the plus strand (G>A on the coding strand, the complement: ZNF644 is on the minus strand). VCF-style: chr1-90940449-C-T. GRCh37 (hg19) VCF-style: chr1-91406006-C-T.
Other names: c.23-22295G>A (NM_032186.5, NM_016620.4); short protein forms R302H.
Identifiers: ClinVar variation 2364207 (VCV002364207.4), dbSNP rs148111132, ClinGen allele CA945175.
Genomic context (GRCh38, chr1:90,940,449, plus strand): 5'-TCTTGCATTTTTGATTTATTGGGTACACAATTAGAATCACTAAAGCAATCCTCGGTATAA[C>T]GAGTTATCTTGCTTACATCCATTTTTCGCTTTCTTTTTTTTTCTAGACCTATTTTAGAAT-3'
Protein context (NP_958357.1, residues 292-312): KRKMDVSKIT[Arg302His]YTEDCFSDSN